The following is an entry in ClinVar:

ClinVar aggregate classification (germline): Pathogenic (1 of 4 stars; one submission).

Conditions:
Telangiectasia, hereditary hemorrhagic, type 1 (HHT1). Also called: Osler Weber Rendu syndrome type 1; ENG-Related Hereditary Hemorrhagic Telangiectasia. Identifiers: Orphanet 774, MedGen C4551861, MONDO:0008535, OMIM 187300. Disease mechanism: loss of function.

Submission:

Molecular Genetics Laboratory, Motol Hospital
Classification: Pathogenic for Telangiectasia, hereditary hemorrhagic, type 1. Last evaluated: 2025-05-02. Review status: criteria provided, single submitter. Criteria: ACMG Guidelines, 2015. Collection method: clinical testing. Allele origin: germline. Affected: yes. Observed: 3 variant alleles.
Comment: Detected in multiple affected family members with Rendu-Osler-Weber syndrome (PP1). Rare variant not present in ClinVar, not present in gnomAD (4.1.0), not in non-Finnish European population (PM2). Located in a mutational hot spot in the exon 6 of the ENG gene (PM1). Rare variants in the ENG gene (MIM:131195) are a cause of autosomal dominant "hereditary hemorrhagic teleangiectasia 1" (known also as Rendu-Osler-Weber syndrome) (MIM:187300; PMID:12566546;PMID:27323484). Therefore, this variant is classified as pathogenic.

Literature cited by the submitters: PubMed 12566546; PubMed 27323484.

NM_001114753.3(ENG):c.697_700del (p.Arg232_Thr233insTer)

Gene: ENG (endoglin; minus strand). Cytogenetic location: 9q34.11.
Variant type: Deletion.
Coding change: c.697_700del on transcript NM_001114753.3 (MANE Select); coding-DNA positions 697 to 700, 4 bases deleted (ACGG; older notation c.697_700delACGG).
Protein change: p.Arg232_Thr233insTer.
Molecular consequence: nonsense.
Genome position (GRCh38, 1-based): chr9:127,825,347-127,825,350, CCGT deleted on the plus strand (ACGG on the coding strand, the reverse complement: ENG is on the minus strand); deleting any 4 consecutive bases within chr9:127,825,347-127,825,353 gives the same sequence; the c. name uses the placement nearest the transcript's 3' end. VCF-style (leftmost placement, unchanged base first): chr9-127825346-ACCGT-A. GRCh37 (hg19) VCF-style: chr9-130587625-ACCGT-A.
Other names: c.697_700del, p.Arg232_Thr233insTer (NM_000118.4, NM_001406715.1); c.151_154del, p.Arg50_Thr51insTer (NM_001278138.2).
Identifiers: ClinVar variation 3895534 (VCV003895534.1).
Genomic context (GRCh38, chr9:127,825,346, plus strand): 5'-TGCAGGATGAGGACGGCATCGAGATCCCCGGGTGCGCAGCTCAGTTCCACCTTCACCGTC[ACCGT>A]CCGGGGCCTGCGGGGAGACAGACGCGGATGGAACACTGAAGCGGACAGGCCAGGCGGGGA-3'